The following is an entry in ClinVar:

NM_000051.4(ATM):c.1802+1G>T

Gene: ATM (ATM serine/threonine kinase; plus strand). Cytogenetic location: 11q22.3.
Variant type: single nucleotide variant.
Coding change: c.1802+1G>T on transcript NM_000051.4 (MANE Select); the canonical splice donor site of the intron after coding-DNA position 1802, G replaced by T.
Molecular consequence: splice donor variant.
Genome position (GRCh38, 1-based): chr11:108,252,032, G>T. VCF-style: chr11-108252032-G-T. GRCh37 (hg19) VCF-style: chr11-108122759-G-T.
Other names: c.1802+1G>T (NM_001351834.2).
Identifiers: ClinVar variation 1067957 (VCV001067957.9), dbSNP rs2135344665, ClinGen allele CA382535609.

ClinVar aggregate classification (germline): Pathogenic (1 of 4 stars; one submission).

Conditions:
Ataxia-telangiectasia syndrome (AT). Also called: LOUIS-BAR SYNDROME; Ataxia-telangiectasia, complementation group D; AT, COMPLEMENTATION GROUP C; Cerebello-oculocutaneous telangiectasia; Immunodeficiency with ataxia telangiectasia; ATAXIA-TELANGIECTASIA, COMPLEMENTATION GROUP A. Identifiers: Orphanet 100, MedGen C0004135, MONDO:0008840, OMIM 208900.

Submission:

Labcorp Genetics (formerly Invitae), Labcorp
Classification: Pathogenic for Ataxia-telangiectasia syndrome. Last evaluated: 2025-01-20. Review status: criteria provided, single submitter. Criteria: Invitae Variant Classification Sherloc (09022015). Collection method: clinical testing. Allele origin: germline.
Comment: This sequence change affects a donor splice site in intron 11 of the ATM gene. It is expected to disrupt RNA splicing. Variants that disrupt the donor or acceptor splice site typically lead to a loss of protein function (PMID: 16199547), and loss-of-function variants in ATM are known to be pathogenic (PMID: 23807571, 25614872). This variant is not present in population databases (gnomAD no frequency). Disruption of this splice site has been observed in individual(s) with ATM-related conditions (PMID: 35418818; internal data). ClinVar contains an entry for this variant (Variation ID: 1067957). Algorithms developed to predict the effect of sequence changes on RNA splicing suggest that this variant may disrupt the consensus splice site. For these reasons, this variant has been classified as Pathogenic.

Literature cited by the submitters: PubMed 16199547; PubMed 23807571; PubMed 25614872; PubMed 35418818.